The following is an entry in ClinVar:

ClinVar aggregate classification (germline): Benign/Likely benign. Review status: criteria provided, multiple submitters, no conflicts (2 of 4 stars). 3 submissions from 3 submitters: Benign (2); Likely benign (1). Last evaluated 2024-11-27.

Allele frequency attached by ClinVar (database versions not stated): 1000 Genomes Project 30x 0.01843; 1000 Genomes Project 0.01857; TOPMed 0.03785; gnomAD 0.03837 and 0.03910; gnomAD exomes 0.03942 and 0.05291; ExAC 0.04117; ESP Exome Variant Server 0.04309.

Submissions (3):

Blueprint Genetics
Classification: Likely benign. Last evaluated: 2024-11-27. Review status: criteria provided, single submitter. Criteria: ACMG Guidelines, 2015. Collection method: clinical testing. Allele origin: germline.

Laboratory for Molecular Medicine, Mass General Brigham Personalized Medicine
Classification: Benign. Last evaluated: 2016-03-28. Review status: criteria provided, single submitter. Criteria: LMM Criteria. Collection method: clinical testing. Allele origin: germline.
Comment: Variant identified in a genome or exome case(s) and assessed due to predicted null impact of the variant or pathogenic assertions in the literature or databases. Disclaimer: This variant has not undergone full assessment. The following are preliminary notes: Frequency

Breakthrough Genomics
Classification: Benign. Review status: criteria provided, single submitter. Criteria: ACMG Guidelines, 2015. Collection method: not provided. Allele origin: germline. Inheritance: Autosomal recessive inheritance. Affected: yes.

NM_001270974.2(HYDIN):c.44T>C (p.Met15Thr)

Gene: HYDIN (HYDIN axonemal central pair apparatus protein; minus strand). Cytogenetic location: 16q22.2.
Variant type: single nucleotide variant.
Coding change: c.44T>C on transcript NM_001270974.2 (MANE Select); coding-DNA position 44, T replaced by C.
Protein change: p.Met15Thr; replaces methionine 15 with threonine.
Molecular consequence: missense variant.
Genome position (GRCh38, 1-based): chr16:71,186,852, A>G on the plus strand (T>C on the coding strand, the complement: HYDIN is on the minus strand). VCF-style: chr16-71186852-A-G. GRCh37 (hg19) VCF-style: chr16-71220755-A-G.
Other names: c.125T>C, p.Met42Thr (NM_001198542.1); c.95T>C, p.Met32Thr (NM_001198543.1); c.44T>C, p.Met15Thr (NM_017558.5); short protein forms M15T, M32T, M42T.
Identifiers: ClinVar variation 402958 (VCV000402958.6), dbSNP rs75270082, ClinGen allele CA8151709.
Genomic context (GRCh38, chr16:71,186,852, plus strand): 5'-TTTGGACTCAGGGGTGGCAAAACCTTGCTTTGAAATCCTTTGAACATATTGACCAATCCC[A>G]TCTGAACAGCCCCCATGGACTCCTCAAGTCTTCTACTTGTCATTTTTAGTAATTTTTTTT-3'
Protein context (NP_001257903.1, residues 5-25): RLEESMGAVQ[Met15Thr]GLVNMFKGFQ